The following is an entry in ClinVar:

NM_025132.4(WDR19):c.1778-1G>A

Gene: WDR19 (WD repeat domain 19; plus strand). Cytogenetic location: 4p14.
Variant type: single nucleotide variant.
Coding change: c.1778-1G>A on transcript NM_025132.4 (MANE Select); the canonical splice acceptor site of the intron before coding-DNA position 1778, G replaced by A.
Molecular consequence: splice acceptor variant.
Genome position (GRCh38, 1-based): chr4:39,228,485, G>A. VCF-style: chr4-39228485-G-A. GRCh37 (hg19) VCF-style: chr4-39230105-G-A.
Other names: c.1298-1G>A (NM_001317924.2).
Identifiers: ClinVar variation 993537 (VCV000993537.14), dbSNP rs1730515128, ClinGen allele CA356632896.
Genomic context (GRCh38, chr4:39,228,485, plus strand): 5'-CTTTCTGATGTTTGTGCTGAGTATTAGCTTTCAGCATTGCGATGTCTGTTTTATAATGTA[G>A]GAGCCAAGGTTATTTTGGCTGGTAGCACCAAAGTTCCTTTTGCTCATAAACCTTTGCTGC-3'

ClinVar aggregate classification (germline): Likely pathogenic. Review status: criteria provided, multiple submitters, no conflicts (2 of 4 stars). 2 submissions from 2 submitters: Likely pathogenic (2). Last evaluated 2022-01-17.

Conditions:
Asphyxiating thoracic dystrophy 5 (SRTD5). Also called: SHORT-RIB THORACIC DYSPLASIA 5 WITH OR WITHOUT POLYDACTYLY; SHORT-RIB THORACIC DYSPLASIA 5 WITHOUT POLYDACTYLY. Identifiers: Orphanet 474, MedGen C3280598, MONDO:0013717, OMIM 614376.
Senior-Loken syndrome 8 (SLSN8). Identifiers: Orphanet 3156, MedGen C4225376, MONDO:0014579, OMIM 616307.

Submissions (2):

Labcorp Genetics (formerly Invitae), Labcorp
Classification: Likely pathogenic for Senior-Loken syndrome 8; Asphyxiating thoracic dystrophy 5. Last evaluated: 2022-01-17. Review status: criteria provided, single submitter. Criteria: Invitae Variant Classification Sherloc (09022015). Collection method: clinical testing. Allele origin: germline.
Comment: In summary, the currently available evidence indicates that the variant is pathogenic, but additional data are needed to prove that conclusively. Therefore, this variant has been classified as Likely Pathogenic. Algorithms developed to predict the effect of sequence changes on RNA splicing suggest that this variant may disrupt the consensus splice site. ClinVar contains an entry for this variant (Variation ID: 993537). This variant has not been reported in the literature in individuals affected with WDR19-related conditions. This variant is not present in population databases (gnomAD no frequency). This sequence change affects an acceptor splice site in intron 16 of the WDR19 gene. It is expected to disrupt RNA splicing. Variants that disrupt the donor or acceptor splice site typically lead to a loss of protein function (PMID: 16199547), and loss-of-function variants in WDR19 are known to be pathogenic (PMID: 22019273, 23559409, 23683095, 26275793, 27241786, 29068549).

ARUP Laboratories, Molecular Genetics and Genomics, ARUP Laboratories
Classification: Likely pathogenic. Last evaluated: 2020-05-28. Review status: criteria provided, single submitter. Criteria: ARUP Molecular Germline Variant Investigation Process. Collection method: clinical testing. Allele origin: germline.
Comment: The WDR19 c.1778-1G>A variant, to our knowledge, is not reported in the medical literature or gene-specific databases. This variant is also absent from general population databases (Exome Variant Server, Genome Aggregation Database), indicating it is not a common polymorphism. This variant abolishes the canonical splice acceptor site of intron 16, which is likely to disrupt gene function. Based on available information, this variant is considered to be likely pathogenic.

Literature cited by the submitters: PubMed 16199547 (cited by Labcorp Genetics (formerly Invitae), Labcorp); PubMed 22019273 (cited by Labcorp Genetics (formerly Invitae), Labcorp); PubMed 23559409 (cited by Labcorp Genetics (formerly Invitae), Labcorp); PubMed 23683095 (cited by Labcorp Genetics (formerly Invitae), Labcorp); PubMed 26275793 (cited by Labcorp Genetics (formerly Invitae), Labcorp); PubMed 27241786 (cited by Labcorp Genetics (formerly Invitae), Labcorp); PubMed 29068549 (cited by Labcorp Genetics (formerly Invitae), Labcorp).